The following is an entry in ClinVar:

NM_001206927.2(DNAH8):c.4375G>A (p.Asp1459Asn)

Gene: DNAH8 (dynein axonemal heavy chain 8; plus strand). Cytogenetic location: 6p21.2.
Variant type: single nucleotide variant.
Coding change: c.4375G>A on transcript NM_001206927.2 (MANE Select); coding-DNA position 4375, G replaced by A.
Protein change: p.Asp1459Asn; replaces aspartic acid 1459 with asparagine.
Molecular consequence: missense variant.
Genome position (GRCh38, 1-based): chr6:38,837,951, G>A. VCF-style: chr6-38837951-G-A. GRCh37 (hg19) VCF-style: chr6-38805727-G-A.
Other names: c.3724G>A, p.Asp1242Asn (NM_001371.4); short protein forms D1459N, D1242N.
Identifiers: ClinVar variation 407285 (VCV000407285.9), dbSNP rs151175737, ClinGen allele CA3789121.
Genomic context (GRCh38, chr6:38,837,951, plus strand): 5'-ATTCTACTGAATTAATTGTATTTTAGTACAATTTAAAAACCTTTGTTACAGGCCAGTTTC[G>A]ATGATCTGTGGAGGAAATTTGTTACGTATTCATCTGGTGAACAACTTTTTGGATTGCCTG-3'
Protein context (NP_001193856.1, residues 1449-1469): NRLQIFQASF[Asp1459Asn]DLWRKFVTYS

ClinVar aggregate classification (germline): Uncertain significance. Review status: criteria provided, multiple submitters, no conflicts (2 of 4 stars). 3 submissions from 3 submitters: Uncertain significance (3). Last evaluated 2024-06-18.

Conditions:
Primary ciliary dyskinesia. Also called: Ciliary dyskinesia. Identifiers: Orphanet 244, MedGen C0008780, MONDO:0016575, HP:0012265.

Allele frequency attached by ClinVar (database versions not stated): TOPMed 0.00036; gnomAD 0.00046 and 0.00047; gnomAD exomes 0.00046 and 0.00064; ExAC 0.00061; ESP Exome Variant Server 0.00062.
gnomAD v4.1: 983 of 1,610,982 alleles (0.061%); highest among the groups gnomAD compares: Non-Finnish European, 0.076%; 1 homozygote.

Submissions (3):

Ambry Genetics
Classification: Uncertain significance. Last evaluated: 2024-06-18. Review status: criteria provided, single submitter. Criteria: Ambry Variant Classification Scheme 2023. Collection method: clinical testing. Allele origin: germline.

Labcorp Genetics (formerly Invitae), Labcorp
Classification: Uncertain significance for Primary ciliary dyskinesia. Last evaluated: 2022-09-27. Review status: criteria provided, single submitter. Criteria: Invitae Variant Classification Sherloc (09022015). Collection method: clinical testing. Allele origin: germline.
Comment: This sequence change replaces aspartic acid, which is acidic and polar, with asparagine, which is neutral and polar, at codon 1459 of the DNAH8 protein (p.Asp1459Asn). This variant is present in population databases (rs151175737, gnomAD 0.08%), and has an allele count higher than expected for a pathogenic variant. This variant has not been reported in the literature in individuals affected with DNAH8-related conditions. ClinVar contains an entry for this variant (Variation ID: 407285). Algorithms developed to predict the effect of missense changes on protein structure and function are either unavailable or do not agree on the potential impact of this missense change (SIFT: "Deleterious"; PolyPhen-2: "Not Available"; Align-GVGD: "Class C0"). In summary, the available evidence is currently insufficient to determine the role of this variant in disease. Therefore, it has been classified as a Variant of Uncertain Significance.

Breakthrough Genomics
Classification: Uncertain significance. Review status: criteria provided, single submitter. Criteria: ACMG Guidelines, 2015. Collection method: not provided. Allele origin: germline. Inheritance: Autosomal recessive inheritance. Affected: yes.